The following is an entry in ClinVar:

ClinVar aggregate classification (germline): Conflicting classifications of pathogenicity. Review status: criteria provided, conflicting classifications (1 of 4 stars). 3 submissions from 3 submitters: Uncertain significance (2); Likely benign (1). Last evaluated 2024-12-01.

Conditions:
Hereditary breast ovarian cancer syndrome. Also called: Hereditary breast and ovarian cancer syndrome; Hereditary breast and ovarian cancer; Breast and ovarian cancer; BRCA1- and BRCA2-Associated Hereditary Breast and Ovarian Cancer; Hereditary breast and/or ovarian cancer syndrome; Hereditary breast and ovarian cancer syndrome (HBOC). Identifiers: Orphanet 145, MedGen C0677776, MeSH D061325, MONDO:0003582. Disease mechanism: loss of function.
Hereditary cancer-predisposing syndrome. Also called: Tumor predisposition; Hereditary Cancer Syndrome; Hereditary neoplastic syndrome; Neoplastic Syndromes, Hereditary. Identifiers: Orphanet 140162, MedGen C0027672, MeSH D009386, MONDO:0015356.

Submissions (3):

CeGaT Center for Human Genetics Tuebingen
Classification: Uncertain significance. Last evaluated: 2024-12-01. Review status: criteria provided, single submitter. Criteria: CeGaT Center For Human Genetics Tuebingen Variant Classification Criteria Version 2. Collection method: clinical testing. Allele origin: germline. Affected: yes. Observed: 1 variant allele.
Comment: BRCA1: PM2, BP1

University of Washington Department of Laboratory Medicine, University of Washington
Classification: Likely benign for Hereditary cancer-predisposing syndrome. Last evaluated: 2023-03-23. Review status: criteria provided, single submitter. Criteria: Dines et al. (Genet Med. 2020). Collection method: curation. Allele origin: germline.
Comment: Missense variant in a coldspot region where missense variants are very unlikely to be pathogenic (PMID:31911673).

BRCA1 coldspot (exon 11 using historical exon numbering). Reclassification based on statistical prior probability

Labcorp Genetics (formerly Invitae), Labcorp
Classification: Uncertain significance for Hereditary breast ovarian cancer syndrome. Last evaluated: 2022-03-17. Review status: criteria provided, single submitter. Criteria: Invitae Variant Classification Sherloc (09022015). Collection method: clinical testing. Allele origin: germline.
Comment: Advanced modeling of protein sequence and biophysical properties (such as structural, functional, and spatial information, amino acid conservation, physicochemical variation, residue mobility, and thermodynamic stability) performed at Invitae indicates that this missense variant is not expected to disrupt BRCA1 protein function. This variant has not been reported in the literature in individuals affected with BRCA1-related conditions. This variant is not present in population databases (gnomAD no frequency). This sequence change replaces glutamine, which is neutral and polar, with arginine, which is basic and polar, at codon 975 of the BRCA1 protein (p.Gln975Arg). In summary, the available evidence is currently insufficient to determine the role of this variant in disease. Therefore, it has been classified as a Variant of Uncertain Significance.

NM_007294.4(BRCA1):c.2924A>G (p.Gln975Arg)

Gene: BRCA1 (BRCA1 DNA repair associated; minus strand). Cytogenetic location: 17q21.31.
Variant type: single nucleotide variant.
Coding change: c.2924A>G on transcript NM_007294.4 (MANE Select); coding-DNA position 2924, A replaced by G.
Protein change: p.Gln975Arg; replaces glutamine 975 with arginine.
Molecular consequence: missense variant. On other transcripts: intron variant (137).
Genome position (GRCh38, 1-based): chr17:43,092,607, T>C on the plus strand (A>G on the coding strand, the complement: BRCA1 is on the minus strand). VCF-style: chr17-43092607-T-C. GRCh37 (hg19) VCF-style: chr17-41244624-T-C.
Other names: c.2924A>G, p.Gln975Arg (NM_001407618.1, NM_001407619.1, NM_001407620.1 and 30 more transcripts); c.2921A>G, p.Gln974Arg (NM_001407627.1, NM_001407637.1, NM_001407638.1 and 22 more transcripts); c.2915A>G, p.Gln972Arg (NM_001407646.1, NM_001407647.1); c.2843A>G, p.Gln948Arg (NM_001407659.1, NM_001407660.1, NM_001407661.1 and 1 more transcripts); c.2846A>G, p.Gln949Arg (NM_001407663.1, NM_001407653.1, NM_001407654.1 and 4 more transcripts); c.2801A>G, p.Gln934Arg (NM_001407664.1, NM_001407665.1, NM_001407666.1 and 19 more transcripts); c.2798A>G, p.Gln933Arg (NM_001407685.1, NM_001407686.1, NM_001407687.1 and 11 more transcripts); c.2783A>G, p.Gln928Arg (NM_001407698.1, NM_001407724.1, NM_001407725.1 and 29 more transcripts); and 41 more; short protein forms Q886R, Q887R, Q907R, Q975R, Q864R, Q972R, Q974R, Q679R.
Identifiers: ClinVar variation 2113266 (VCV002113266.19), dbSNP rs2154352222, ClinGen allele CA10596148.
Genomic context (GRCh38, chr17:43,092,607, plus strand): 5'-TTACATTTAGTTTTAACAAATGACTTGATGGGAAAAAGTGGTGGTATACGATATGGGTTT[T>C]GTAAAAGTCCATGTTTATTTGGAGTAATGAGTCCAGTTTCGTTGCCTCTGAACTGAGATG-3'
Protein context (NP_009225.1, residues 965-985): LITPNKHGLL[Gln975Arg]NPYRIPPLFP